The following is an entry in ClinVar:

ClinVar aggregate classification (germline): Uncertain significance. Review status: criteria provided, multiple submitters, no conflicts (2 of 4 stars). 2 submissions from 2 submitters: Uncertain significance (2). Last evaluated 2025-06-12.

Conditions:
DICER1-related tumor predisposition. Also called: DICER1 syndrome; DICER1-related pleuropulmonary blastoma cancer predisposition syndrome. Identifiers: Orphanet 284343, MedGen C3839822, MONDO:0100216.
Hereditary cancer-predisposing syndrome. Also called: Hereditary Cancer Syndrome; Tumor predisposition; Hereditary neoplastic syndrome; Neoplastic Syndromes, Hereditary. Identifiers: Orphanet 140162, MedGen C0027672, MeSH D009386, MONDO:0015356.

Submissions (2):

Labcorp Genetics (formerly Invitae), Labcorp
Classification: Uncertain significance for DICER1-related tumor predisposition. Last evaluated: 2025-06-12. Review status: criteria provided, single submitter. Criteria: Invitae Variant Classification Sherloc (09022015). Collection method: clinical testing. Allele origin: germline.
Comment: This sequence change replaces asparagine, which is neutral and polar, with isoleucine, which is neutral and non-polar, at codon 1455 of the DICER1 protein (p.Asn1455Ile). This variant is not present in population databases (gnomAD no frequency). This variant has not been reported in the literature in individuals affected with DICER1-related conditions. ClinVar contains an entry for this variant (Variation ID: 3024071). Invitae Evidence Modeling of protein sequence and biophysical properties (such as structural, functional, and spatial information, amino acid conservation, physicochemical variation, residue mobility, and thermodynamic stability) indicates that this missense variant is not expected to disrupt DICER1 protein function with a negative predictive value of 95%. In summary, the available evidence is currently insufficient to determine the role of this variant in disease. Therefore, it has been classified as a Variant of Uncertain Significance.

Ambry Genetics
Classification: Uncertain significance for Hereditary cancer-predisposing syndrome. Last evaluated: 2023-12-21. Review status: criteria provided, single submitter. Criteria: Ambry Variant Classification Scheme 2023. Collection method: clinical testing. Allele origin: germline.
Comment: The p.N1455I variant (also known as c.4364A>T), located in coding exon 22 of the DICER1 gene, results from an A to T substitution at nucleotide position 4364. The asparagine at codon 1455 is replaced by isoleucine, an amino acid with dissimilar properties. This amino acid position is conserved. In addition, the in silico prediction for this alteration is inconclusive. Since supporting evidence is limited at this time, the clinical significance of this alteration remains unclear.

NM_177438.3(DICER1):c.4364A>T (p.Asn1455Ile)

Gene: DICER1 (dicer 1, ribonuclease III; minus strand). Cytogenetic location: 14q32.13.
Variant type: single nucleotide variant.
Coding change: c.4364A>T on transcript NM_177438.3 (MANE Select); coding-DNA position 4364, A replaced by T.
Protein change: p.Asn1455Ile; replaces asparagine 1455 with isoleucine.
Molecular consequence: missense variant. On other transcripts: non-coding transcript variant (6).
Genome position (GRCh38, 1-based): chr14:95,096,556, T>A on the plus strand (A>T on the coding strand, the complement: DICER1 is on the minus strand). VCF-style: chr14-95096556-T-A. GRCh37 (hg19) VCF-style: chr14-95562893-T-A.
Other names: c.4364A>T, p.Asn1455Ile (NM_001195573.1, NM_001271282.3, NM_001291628.2 and 13 more transcripts); c.4082A>T, p.Asn1361Ile (NM_001395686.1); c.3959A>T, p.Asn1320Ile (NM_001395687.1, NM_001395688.1, NM_001395689.1 and 2 more transcripts); c.3797A>T, p.Asn1266Ile (NM_001395691.1); c.2681A>T, p.Asn894Ile (NM_001395697.1); short protein forms N1266I, N894I, N1320I, N1455I, N1361I.
Identifiers: ClinVar variation 3024071 (VCV003024071.4), dbSNP rs878855265, ClinGen allele CA390869050.